The following is an entry in ClinVar:

ClinVar aggregate classification (germline): Uncertain significance. Review status: criteria provided, multiple submitters, no conflicts (2 of 4 stars). 2 submissions from 2 submitters: Uncertain significance (2). Last evaluated 2025-02-06.

Conditions:
Cardiovascular phenotype. Identifiers: MedGen CN230736.
Dilated cardiomyopathy 1J (CMD1J). Also called: CARDIOMYOPATHY, DILATED, WITH SENSORINEURAL HEARING LOSS, AUTOSOMAL DOMINANT. Identifiers: Orphanet 217622, MedGen C1854368, MONDO:0011541, OMIM 605362.

Allele frequency attached by ClinVar (database versions not stated): gnomAD exomes below 0.00001; gnomAD 0.00001; TOPMed 0.00001.
gnomAD v4.1: 4 of 1,608,702 alleles (0.00025%); highest among the groups gnomAD compares: Non-Finnish European, 0.00034%; no homozygotes.

Submissions (2):

Ambry Genetics
Classification: Uncertain significance for Cardiovascular phenotype. Last evaluated: 2025-02-06. Review status: criteria provided, single submitter. Criteria: Ambry Variant Classification Scheme 2023. Collection method: clinical testing. Allele origin: germline.
Comment: The p.K13N variant (also known as c.39G>C), located in coding exon 2 of the EYA4 gene, results from a G to C substitution at nucleotide position 39. The lysine at codon 13 is replaced by asparagine, an amino acid with similar properties. This amino acid position is conserved. In addition, the in silico prediction for this alteration is inconclusive. Based on the available evidence, the clinical significance of this variant remains unclear.

Labcorp Genetics (formerly Invitae), Labcorp
Classification: Uncertain significance for Dilated cardiomyopathy 1J. Last evaluated: 2023-01-01. Review status: criteria provided, single submitter. Criteria: Invitae Variant Classification Sherloc (09022015). Collection method: clinical testing. Allele origin: germline.
Comment: In summary, the available evidence is currently insufficient to determine the role of this variant in disease. Therefore, it has been classified as a Variant of Uncertain Significance. Algorithms developed to predict the effect of missense changes on protein structure and function (SIFT, PolyPhen-2, Align-GVGD) all suggest that this variant is likely to be tolerated. This variant is present in population databases (rs758104829, gnomAD 0.0009%). This sequence change replaces lysine, which is basic and polar, with asparagine, which is neutral and polar, at codon 13 of the EYA4 protein (p.Lys13Asn). ClinVar contains an entry for this variant (Variation ID: 1410780). This variant has not been reported in the literature in individuals affected with EYA4-related conditions.

NM_004100.5(EYA4):c.39G>C (p.Lys13Asn)

Gene: EYA4 (EYA transcriptional coactivator and phosphatase 4; plus strand). Cytogenetic location: 6q23.2.
Variant type: single nucleotide variant.
Coding change: c.39G>C on transcript NM_004100.5 (MANE Select); coding-DNA position 39, G replaced by C.
Protein change: p.Lys13Asn; replaces lysine 13 with asparagine.
Molecular consequence: missense variant.
Genome position (GRCh38, 1-based): chr6:133,382,397, G>C. VCF-style: chr6-133382397-G-C. GRCh37 (hg19) VCF-style: chr6-133703535-G-C.
Other names: c.39G>C (NM_004100.4); c.39G>C, p.Lys13Asn (NM_001301012.2, NM_001301013.2, NM_001370458.1 and 3 more transcripts); short protein forms K13N.
Identifiers: ClinVar variation 1410780 (VCV001410780.7), dbSNP rs758104829, ClinGen allele CA148391569.